The following is an entry in ClinVar:

NM_001384732.1(CPLANE1):c.418C>A (p.Leu140Ile)

Gene: CPLANE1 (ciliogenesis and planar polarity effector complex subunit 1; minus strand). Cytogenetic location: 5p13.2.
Variant type: single nucleotide variant.
Coding change: c.418C>A on transcript NM_001384732.1 (MANE Select); coding-DNA position 418, C replaced by A.
Protein change: p.Leu140Ile; replaces leucine 140 with isoleucine.
Molecular consequence: missense variant.
Genome position (GRCh38, 1-based): chr5:37,244,527, G>T on the plus strand (C>A on the coding strand, the complement: CPLANE1 is on the minus strand). VCF-style: chr5-37244527-G-T. GRCh37 (hg19) VCF-style: chr5-37244629-G-T.
Other names: c.418C>A, p.Leu140Ile (NM_023073.4); short protein forms L140I.
Identifiers: ClinVar variation 952396 (VCV000952396.9), dbSNP rs1246732410, ClinGen allele CA359521857.
Genomic context (GRCh38, chr5:37,244,527, plus strand): 5'-GACCCGCCAATGAAAGGCTTTTAGAAGATAAGATATTCTTTAATTCCAAATATTCCCAAA[G>T]AAATATGCATCCAGAAGGTGTTATGAGCACAATTCTTTTCCCATTTCCAGATACATACAA-3'
Protein context (NP_001371661.1, residues 130-150): VLITPSGCIF[Leu140Ile]WEYLELKNIL

ClinVar aggregate classification (germline): Uncertain significance (1 of 4 stars; one submission).

Allele frequency attached by ClinVar (database versions not stated): gnomAD exomes below 0.00001 and 0.00001; TOPMed below 0.00001.
gnomAD v4.1: 2 of 1,551,654 alleles (0.00013%); highest among the groups gnomAD compares: Non-Finnish European, 0.00017%; no homozygotes.

Submission:

Labcorp Genetics (formerly Invitae), Labcorp
Classification: Uncertain significance. Last evaluated: 2019-07-01. Review status: criteria provided, single submitter. Criteria: Invitae Variant Classification Sherloc (09022015). Collection method: clinical testing. Allele origin: germline.
Comment: This sequence change replaces leucine with isoleucine at codon 140 of the CPLANE1 protein (p.Leu140Ile). The leucine residue is weakly conserved and there is a small physicochemical difference between leucine and isoleucine. This variant has not been reported in the literature in individuals with CPLANE1-related conditions. Algorithms developed to predict the effect of missense changes on protein structure and function are either unavailable or do not agree on the potential impact of this missense change (SIFT: "Deleterious"; PolyPhen-2: "Probably Damaging"; Align-GVGD: "Class C0"). In summary, the available evidence is currently insufficient to determine the role of this variant in disease. Therefore, it has been classified as a Variant of Uncertain Significance. This variant is not present in population databases (ExAC no frequency).